The following is an entry in ClinVar:

ClinVar aggregate classification (germline): Uncertain significance (1 of 4 stars; one submission).

Conditions:
Neonatal-onset encephalopathy with rigidity and seizures. Also called: Lethal neonatal spasticity-epileptic encephalopathy syndrome. Identifiers: Orphanet 435845, MedGen C3281029, MONDO:0013784, OMIM 614498.

Submission:

Labcorp Genetics (formerly Invitae), Labcorp
Classification: Uncertain significance for Neonatal-onset encephalopathy with rigidity and seizures. Last evaluated: 2022-08-09. Review status: criteria provided, single submitter. Criteria: Invitae Variant Classification Sherloc (09022015). Collection method: clinical testing. Allele origin: germline.
Comment: Algorithms developed to predict the effect of missense changes on protein structure and function are either unavailable or do not agree on the potential impact of this missense change (SIFT: "Tolerated"; PolyPhen-2: "Possibly Damaging"; Align-GVGD: "Class C0"). ClinVar contains an entry for this variant (Variation ID: 1472491). This variant has not been reported in the literature in individuals affected with BRAT1-related conditions. This variant is not present in population databases (gnomAD no frequency). This sequence change replaces glycine, which is neutral and non-polar, with serine, which is neutral and polar, at codon 783 of the BRAT1 protein (p.Gly783Ser). In summary, the available evidence is currently insufficient to determine the role of this variant in disease. Therefore, it has been classified as a Variant of Uncertain Significance.

NM_152743.4(BRAT1):c.2347G>A (p.Gly783Ser)

Gene: BRAT1 (BRCA1 associated ATM activator 1; minus strand). Cytogenetic location: 7p22.3.
Variant type: single nucleotide variant.
Coding change: c.2347G>A on transcript NM_152743.4 (MANE Select); coding-DNA position 2347, G replaced by A.
Protein change: p.Gly783Ser; replaces glycine 783 with serine.
Molecular consequence: missense variant. On other transcripts: non-coding transcript variant (1).
Genome position (GRCh38, 1-based): chr7:2,538,188, C>T on the plus strand (G>A on the coding strand, the complement: BRAT1 is on the minus strand). VCF-style: chr7-2538188-C-T. GRCh37 (hg19) VCF-style: chr7-2577822-C-T.
Other names: c.2527G>A, p.Gly843Ser (NM_001350626.2); c.1822G>A, p.Gly608Ser (NM_001350627.2); short protein forms G608S, G843S, G783S.
Identifiers: ClinVar variation 1472491 (VCV001472491.6), dbSNP rs1583287927, ClinGen allele CA366623046.
Genomic context (GRCh38, chr7:2,538,188, plus strand): 5'-GGAGGGACTGGGGACTCTTTTCCACGTGGTCGCTGCTCTCGGCCAGCGTGCTCCGCAGGC[C>T]CTCCAGGTCTAGGGACCTGAGCATGGCCAGCACAGCCTCAGGCTCCTGGTCCCCTGGGGG-3'
Protein context (NP_689956.2, residues 773-793): LAMLRSLDLE[Gly783Ser]LRSTLAESSD